The following is an entry in ClinVar:

NM_024596.5(MCPH1):c.2452+285G>A

Genes: MCPH1 (microcephalin 1; plus strand), MCPH1-AS1 (MCPH1 antisense RNA 1; minus strand). Cytogenetic location: 8p23.1.
Variant type: single nucleotide variant.
Coding change: c.2452+285G>A on transcript NM_024596.5 (MANE Select); 285 bases into the intron after coding-DNA position 2452, G replaced by A.
Molecular consequence: intron variant.
Genome position (GRCh38, 1-based): chr8:6,621,976, G>A. VCF-style: chr8-6621976-G-A. GRCh37 (hg19) VCF-style: chr8-6479497-G-A.
Other names: c.2452+285G>A (NM_001322042.2, NM_001363979.1); c.2173+285G>A (NM_001363980.2).
Identifiers: ClinVar variation 684326 (VCV000684326.1), dbSNP rs2011423, ClinGen allele CA12750634.

ClinVar aggregate classification (germline): Benign (1 of 4 stars; one submission).

Allele frequency attached by ClinVar (database versions not stated): gnomAD 0.38601 and 0.38633; TOPMed 0.38875; 1000 Genomes Project 30x 0.40990; 1000 Genomes Project 0.41074.
gnomAD v4.1: 163,164 of 446,896 alleles (37%); highest among the groups gnomAD compares: African/African-American, 50%; 30,580 homozygotes.

Submission:

GeneDx
Classification: Benign. Last evaluated: 2018-06-16. Review status: criteria provided, single submitter. Criteria: GeneDx Variant Classification (06012015). Collection method: clinical testing. Allele origin: germline. Affected: yes.
Comment: This variant is considered likely benign or benign based on one or more of the following criteria: it is a conservative change, it occurs at a poorly conserved position in the protein, it is predicted to be benign by multiple in silico algorithms, and/or has population frequency not consistent with disease.